The following is an entry in ClinVar:

ClinVar aggregate classification (germline): Uncertain significance (1 of 4 stars; one submission).

Submission:

Labcorp Genetics (formerly Invitae), Labcorp
Classification: Uncertain significance. Last evaluated: 2024-03-11. Review status: criteria provided, single submitter. Criteria: Invitae Variant Classification Sherloc (09022015). Collection method: clinical testing. Allele origin: germline.
Comment: This sequence change replaces glycine, which is neutral and non-polar, with arginine, which is basic and polar, at codon 411 of the PCDH15 protein (p.Gly411Arg). This variant is not present in population databases (gnomAD no frequency). This variant has not been reported in the literature in individuals affected with PCDH15-related conditions. ClinVar contains an entry for this variant (Variation ID: 1496855). Advanced modeling of protein sequence and biophysical properties (such as structural, functional, and spatial information, amino acid conservation, physicochemical variation, residue mobility, and thermodynamic stability) performed at Invitae indicates that this missense variant is expected to disrupt PCDH15 protein function with a positive predictive value of 80%. In summary, the available evidence is currently insufficient to determine the role of this variant in disease. Therefore, it has been classified as a Variant of Uncertain Significance.

NM_001384140.1(PCDH15):c.1231G>A (p.Gly411Arg)

Gene: PCDH15 (protocadherin related 15; minus strand). Cytogenetic location: 10q21.1.
Variant type: single nucleotide variant.
Coding change: c.1231G>A on transcript NM_001384140.1 (MANE Select); coding-DNA position 1231, G replaced by A.
Protein change: p.Gly411Arg; replaces glycine 411 with arginine.
Molecular consequence: missense variant.
Genome position (GRCh38, 1-based): chr10:54,195,757, C>T on the plus strand (G>A on the coding strand, the complement: PCDH15 is on the minus strand). VCF-style: chr10-54195757-C-T. GRCh37 (hg19) VCF-style: chr10-55955517-C-T.
Other names: c.1246G>A, p.Gly416Arg (NM_001142763.2, NM_001142769.4, NM_001142771.2); c.1231G>A, p.Gly411Arg (NM_001142764.2, NM_001142765.2, NM_001142766.2 and 7 more transcripts); c.1120G>A, p.Gly374Arg (NM_001142767.2); c.1165G>A, p.Gly389Arg (NM_001142768.2, NM_001142773.2, NM_001354404.2); short protein forms G411R, G374R, G389R, G416R.
Identifiers: ClinVar variation 1496855 (VCV001496855.8), dbSNP rs2133924160, ClinGen allele CA376518885.